The following is an entry in ClinVar:

NM_000321.3(RB1):c.1606A>G (p.Ile536Val)

Gene: RB1 (RB transcriptional corepressor 1; plus strand). Cytogenetic location: 13q14.2.
Variant type: single nucleotide variant.
Coding change: c.1606A>G on transcript NM_000321.3 (MANE Select); coding-DNA position 1606, A replaced by G.
Protein change: p.Ile536Val; replaces isoleucine 536 with valine.
Molecular consequence: missense variant.
Genome position (GRCh38, 1-based): chr13:48,381,354, A>G. VCF-style: chr13-48381354-A-G. GRCh37 (hg19) VCF-style: chr13-48955490-A-G.
Other names: short protein forms I536V.
Identifiers: ClinVar variation 1036703 (VCV001036703.8), dbSNP rs1948534262, ClinGen allele CA388163739.

ClinVar aggregate classification (germline): Uncertain significance (1 of 4 stars; one submission).

Conditions:
Retinoblastoma (RB1). Also called: RETINOBLASTOMA, SOMATIC. Identifiers: Orphanet 790, MedGen C0035335, MeSH D012175, MONDO:0008380, OMIM 180200, HP:0009919. Disease mechanism: loss of function. Inheritance: Both sporadic and heritable forms are tested..

Submission:

Labcorp Genetics (formerly Invitae), Labcorp
Classification: Uncertain significance for Retinoblastoma. Last evaluated: 2025-11-11. Review status: criteria provided, single submitter. Criteria: Invitae Variant Classification Sherloc (09022015). Collection method: clinical testing. Allele origin: germline.
Comment: This sequence change replaces isoleucine, which is neutral and non-polar, with valine, which is neutral and non-polar, at codon 536 of the RB1 protein (p.Ile536Val). This variant is not present in population databases (gnomAD no frequency). This variant has not been reported in the literature in individuals affected with RB1-related conditions. ClinVar contains an entry for this variant (Variation ID: 1036703). Invitae Evidence Modeling of protein sequence and biophysical properties (such as structural, functional, and spatial information, amino acid conservation, physicochemical variation, residue mobility, and thermodynamic stability) indicates that this missense variant is not expected to disrupt RB1 protein function with a negative predictive value of 80%. In summary, the available evidence is currently insufficient to determine the role of this variant in disease. Therefore, it has been classified as a Variant of Uncertain Significance.